The following is an entry in ClinVar:

NM_000069.3(CACNA1S):c.5531G>C (p.Ser1844Thr)

Gene: CACNA1S (calcium voltage-gated channel subunit alpha1 S; minus strand). Cytogenetic location: 1q32.1.
Variant type: single nucleotide variant.
Coding change: c.5531G>C on transcript NM_000069.3 (MANE Select); coding-DNA position 5531, G replaced by C.
Protein change: p.Ser1844Thr; replaces serine 1844 with threonine.
Molecular consequence: missense variant.
Genome position (GRCh38, 1-based): chr1:201,039,922, C>G on the plus strand (G>C on the coding strand, the complement: CACNA1S is on the minus strand). VCF-style: chr1-201039922-C-G. GRCh37 (hg19) VCF-style: chr1-201009050-C-G.
Other names: c.5531G>C (NM_000069.2); short protein forms S1844T.
Identifiers: ClinVar variation 2075209 (VCV002075209.7), dbSNP rs145195149, ClinGen allele CA083894.

ClinVar aggregate classification (germline): Conflicting classifications of pathogenicity. Review status: criteria provided, conflicting classifications (1 of 4 stars). 3 submissions from 3 submitters: Uncertain significance (2); Benign (1). Last evaluated 2026-07-02.

Conditions:
Malignant hyperthermia, susceptibility to, 5 (MHS5). Also called: CACNA1S-Related Malignant Hyperthermia Susceptibility. Identifiers: Orphanet 423, MedGen C1866077, MONDO:0011163, OMIM 601887.
Hypokalemic periodic paralysis, type 1. Also called: HypoPP; Hypokalemic Periodic Paralysis Type 1 (AD). Identifiers: Orphanet 681, MedGen C3714580, MONDO:0042979, OMIM 170400.
Inborn genetic diseases. Identifiers: MedGen C0950123, MeSH D030342.

Allele frequency attached by ClinVar (database versions not stated): 1000 Genomes Project 0.00040; ExAC 0.00005; TOPMed 0.00016; gnomAD exomes 0.00001; ESP Exome Variant Server 0.00015; gnomAD 0.00019; 1000 Genomes Project 30x 0.00047.
gnomAD v4.1: 38 of 1,614,074 alleles (0.0024%); highest among the groups gnomAD compares: African/African-American, 0.045%; no homozygotes.

Submissions (3):

Ambry Genetics
Classification: Uncertain significance for Inborn genetic diseases. Last evaluated: 2026-07-02. Review status: criteria provided, single submitter. Criteria: Ambry Variant Classification Scheme 2023. Collection method: clinical testing. Allele origin: germline.
Comment: The p.S1844T variant (also known as c.5531G>C), located in coding exon 44 of the CACNA1S gene, results from a G to C substitution at nucleotide position 5531. The serine at codon 1844 is replaced by threonine, an amino acid with similar properties. This amino acid position is conserved. In addition, this alteration is predicted to be tolerated by in silico analysis. Based on the available evidence, the clinical significance of this variant remains unclear.

Labcorp Genetics (formerly Invitae), Labcorp
Classification: Benign for Hypokalemic periodic paralysis, type 1; Malignant hyperthermia, susceptibility to, 5. Last evaluated: 2025-04-27. Review status: criteria provided, single submitter. Criteria: Invitae Variant Classification Sherloc (09022015). Collection method: clinical testing. Allele origin: germline.

Color Diagnostics, LLC DBA Color Health
Classification: Uncertain significance for Malignant hyperthermia, susceptibility to, 5. Last evaluated: 2023-11-15. Review status: criteria provided, single submitter. Criteria: ACMG Guidelines, 2015. Collection method: clinical testing. Allele origin: germline.
Comment: This missense variant replaces serine with threonine at codon 1844 of the CACNA1S protein. Computational prediction suggests that this variant may not impact protein structure and function. To our knowledge, functional studies have not been reported for this variant. This variant has not been reported in individuals affected with CACNA1S-related disorders in the literature. This variant has been identified in 11/282644 chromosomes in the general population by the Genome Aggregation Database (gnomAD). The available evidence is insufficient to determine the role of this variant in disease conclusively. Therefore, this variant is classified as a Variant of Uncertain Significance.